The following is an entry in ClinVar:

ClinVar aggregate classification (germline): Uncertain significance (1 of 4 stars; one submission).

Conditions:
Autosomal dominant nonsyndromic hearing loss 1. Also called: DEAFNESS, AUTOSOMAL DOMINANT 1, WITH OR WITHOUT THROMBOCYTOPENIA; KONIGSMARK SYNDROME. Identifiers: Orphanet 90635, MedGen C1852282, MONDO:0007424, OMIM 124900.
Progressive microcephaly-seizures-cortical blindness-developmental delay syndrome. Also called: Seizures, cortical blindness, and microcephaly syndrome. Identifiers: Orphanet 477814, MedGen C5567650, MONDO:0014714, OMIM 616632.

Submission:

Labcorp Genetics (formerly Invitae), Labcorp
Classification: Uncertain significance for Progressive microcephaly-seizures-cortical blindness-developmental delay syndrome; Autosomal dominant nonsyndromic hearing loss 1. Last evaluated: 2022-08-02. Review status: criteria provided, single submitter. Criteria: Invitae Variant Classification Sherloc (09022015). Collection method: clinical testing. Allele origin: germline.
Comment: In summary, the available evidence is currently insufficient to determine the role of this variant in disease. Therefore, it has been classified as a Variant of Uncertain Significance. Algorithms developed to predict the effect of missense changes on protein structure and function are either unavailable or do not agree on the potential impact of this missense change (SIFT: "Tolerated"; PolyPhen-2: "Not Available"; Align-GVGD: "Class C0"). This variant has not been reported in the literature in individuals affected with DIAPH1-related conditions. This variant is not present in population databases (gnomAD no frequency). This sequence change replaces arginine, which is basic and polar, with isoleucine, which is neutral and non-polar, at codon 686 of the DIAPH1 protein (p.Arg686Ile).

NM_005219.5(DIAPH1):c.2057G>T (p.Arg686Ile)

Gene: DIAPH1 (diaphanous related formin 1; minus strand). Cytogenetic location: 5q31.3.
Variant type: single nucleotide variant.
Coding change: c.2057G>T on transcript NM_005219.5 (MANE Select); coding-DNA position 2057, G replaced by T.
Protein change: p.Arg686Ile; replaces arginine 686 with isoleucine.
Molecular consequence: missense variant.
Genome position (GRCh38, 1-based): chr5:141,573,793, C>A on the plus strand (G>T on the coding strand, the complement: DIAPH1 is on the minus strand). VCF-style: chr5-141573793-C-A. GRCh37 (hg19) VCF-style: chr5-140953360-C-A.
Other names: c.2030G>T, p.Arg677Ile (NM_001079812.3); c.2057G>T, p.Arg686Ile (NM_001314007.2); short protein forms R677I, R686I.
Identifiers: ClinVar variation 1714725 (VCV001714725.6), dbSNP rs2513740069, ClinGen allele CA361518641.